The following is an entry in ClinVar:

ClinVar aggregate classification (germline): Uncertain significance (1 of 4 stars; one submission).

gnomAD v4.1: 1 of 1,613,884 alleles (0.000062%); no homozygotes.

Submission:

Ambry Genetics
Classification: Uncertain significance. Last evaluated: 2021-06-27. Review status: criteria provided, single submitter. Criteria: Ambry Variant Classification Scheme 2023. Collection method: clinical testing. Allele origin: germline.
Comment: The p.K659Q variant (also known as c.1975A>C), located in coding exon 10 of the PALLD gene, results from an A to C substitution at nucleotide position 1975. The lysine at codon 659 is replaced by glutamine, an amino acid with similar properties. This amino acid position is conserved. In addition, this alteration is predicted to be tolerated by in silico analysis. Since supporting evidence is limited at this time, the clinical significance of this alteration remains unclear.

NM_001166108.2(PALLD):c.1975A>C (p.Lys659Gln)

Gene: PALLD (palladin, cytoskeletal associated protein; plus strand). Cytogenetic location: 4q32.3.
Variant type: single nucleotide variant.
Coding change: c.1975A>C on transcript NM_001166108.2 (MANE Select); coding-DNA position 1975, A replaced by C.
Protein change: p.Lys659Gln; replaces lysine 659 with glutamine.
Molecular consequence: missense variant. On other transcripts: 5 prime UTR variant (4).
Genome position (GRCh38, 1-based): chr4:168,890,932, A>C. VCF-style: chr4-168890932-A-C. GRCh37 (hg19) VCF-style: chr4-169812083-A-C.
Other names: c.829A>C, p.Lys277Gln (NM_001166109.2); c.514A>C, p.Lys172Gln (NM_001166110.2); c.-147A>C (NM_001367567.1, NM_001367568.1, NM_001367569.1 and 1 more transcripts); c.1975A>C, p.Lys659Gln (NM_016081.4); short protein forms K172Q, K277Q, K659Q.
Identifiers: ClinVar variation 1783690 (VCV001783690.2), dbSNP rs370768506, ClinGen allele CA358797069.